The following is an entry in ClinVar:

NM_001203.3(BMPR1B):c.836C>T (p.Thr279Ile)

Gene: BMPR1B (bone morphogenetic protein receptor type 1B; plus strand). Cytogenetic location: 4q22.3.
Variant type: single nucleotide variant.
Coding change: c.836C>T on transcript NM_001203.3 (MANE Select); coding-DNA position 836, C replaced by T.
Protein change: p.Thr279Ile; replaces threonine 279 with isoleucine.
Molecular consequence: missense variant.
Genome position (GRCh38, 1-based): chr4:95,131,272, C>T. VCF-style: chr4-95131272-C-T. GRCh37 (hg19) VCF-style: chr4-96052423-C-T.
Other names: c.836C>T (NM_001203.2); c.836C>T, p.Thr279Ile (NM_001256792.2, NM_001256794.1); c.926C>T, p.Thr309Ile (NM_001256793.2); short protein forms T279I, T309I.
Identifiers: ClinVar variation 2953682 (VCV002953682.4), dbSNP rs147336783, ClinGen allele CA3015113.
Genomic context (GRCh38, chr4:95,131,272, plus strand): 5'-TAGGTTTCATTGCTGCAGATATCAAAGGGACAGGGTCCTGGACCCAGTTGTACCTAATCA[C>T]AGACTATCATGAAAATGGTTCCCTTTATGATTATCTGAAGTCCACCACCCTAGACGCTAA-3'
Protein context (NP_001194.1, residues 269-289): TGSWTQLYLI[Thr279Ile]DYHENGSLYD

ClinVar aggregate classification (germline): Uncertain significance. Review status: criteria provided, multiple submitters, no conflicts (2 of 4 stars). 2 submissions from 2 submitters: Uncertain significance (2). Last evaluated 2026-01-14.

Conditions:
Type A2 brachydactyly (BDA2). Also called: MOHR-WRIEDT TYPE BRACHYDACTYLY; Brachymesophalangy type 2; BRACHYMESOPHALANGY II. Identifiers: Orphanet 93396, MedGen C1832702, MONDO:0007216, OMIM 112600, HP:0009372.
Acromesomelic dysplasia 3 (AMD3). Also called: CHONDRODYSPLASIA, ACROMESOMELIC, WITH OR WITHOUT GENITAL ANOMALIES; Acromesomelic dysplasia, Demirhan type. Identifiers: MedGen C4225404, MONDO:0012274, OMIM 609441.
Inborn genetic diseases. Identifiers: MedGen C0950123, MeSH D030342.

Allele frequency attached by ClinVar (database versions not stated): ExAC 0.00004; gnomAD 0.00004; TOPMed 0.00005; gnomAD exomes 0.00007; ESP Exome Variant Server 0.00008.
gnomAD v4.1: 108 of 1,613,782 alleles (0.0067%); highest among the groups gnomAD compares: South Asian, 0.011%; no homozygotes.

Submissions (2):

Labcorp Genetics (formerly Invitae), Labcorp
Classification: Uncertain significance for Type A2 brachydactyly; Acromesomelic dysplasia 3. Last evaluated: 2026-01-14. Review status: criteria provided, single submitter. Criteria: Invitae Variant Classification Sherloc (09022015). Collection method: clinical testing. Allele origin: germline.
Comment: This sequence change replaces threonine, which is neutral and polar, with isoleucine, which is neutral and non-polar, at codon 279 of the BMPR1B protein (p.Thr279Ile). This variant is present in population databases (rs147336783, gnomAD 0.006%). This variant has not been reported in the literature in individuals affected with BMPR1B-related conditions. ClinVar contains an entry for this variant (Variation ID: 2953682). Invitae Evidence Modeling of protein sequence and biophysical properties (such as structural, functional, and spatial information, amino acid conservation, physicochemical variation, residue mobility, and thermodynamic stability) indicates that this missense variant is expected to disrupt BMPR1B protein function with a positive predictive value of 80%. In summary, the available evidence is currently insufficient to determine the role of this variant in disease. Therefore, it has been classified as a Variant of Uncertain Significance.

Ambry Genetics
Classification: Uncertain significance for Inborn genetic diseases. Last evaluated: 2024-12-28. Review status: criteria provided, single submitter. Criteria: Ambry Variant Classification Scheme 2023. Collection method: clinical testing. Allele origin: germline.